The following is an entry in ClinVar:

ClinVar aggregate classification (germline): Pathogenic (1 of 4 stars; one submission).

Conditions:
Familial cancer of breast. Also called: Hereditary breast cancer; BREAST CANCER, FAMILIAL; hereditary breast carcinoma. Identifiers: Orphanet 227535, MedGen C0346153, MONDO:0016419, OMIM 114480. Disease mechanism: loss of function.

Submission:

Myriad Genetics, Inc.
Classification: Pathogenic for Familial cancer of breast. Last evaluated: 2023-09-12. Review status: criteria provided, single submitter. Criteria: Myriad Autosomal Dominant, Autosomal Recessive and X-Linked Classification Criteria (2023). Collection method: clinical testing. Allele origin: unknown.
Comment: This variant is considered pathogenic. This variant creates a frameshift predicted to result in premature protein truncation.

NM_024675.4(PALB2):c.2177dup (p.Ala727fs)

Gene: PALB2 (partner and localizer of BRCA2; minus strand). Cytogenetic location: 16p12.2.
Variant type: Duplication.
Coding change: c.2177dup on transcript NM_024675.4 (MANE Select); coding-DNA position 2177, one base duplicated (C; older notation c.2177dupC).
Protein change: p.Ala727fs; shifts the reading frame from alanine 727.
Molecular consequence: frameshift variant. On other transcripts: intron variant (1).
Genome position (GRCh38, 1-based): chr16:23,629,977, G duplicated on the plus strand (C on the coding strand, the reverse complement: PALB2 is on the minus strand); the first of 2 consecutive G bases (chr16:23,629,977-23,629,978); duplicating either gives the same sequence. VCF-style (leftmost placement, unchanged base first): chr16-23629976-A-AG. GRCh37 (hg19) VCF-style: chr16-23641297-A-AG.
Other names: c.2117dup, p.Ala707fs (NM_001407296.1); c.2177dup, p.Ala727fs (NM_001407297.1, NM_001407298.1, NM_001407299.1 and 3 more transcripts); c.1292dup, p.Ala432fs (NM_001407304.1, NM_001407305.1, NM_001407306.1 and 5 more transcripts); c.389dup, p.Ala131fs (NM_001407312.1, NM_001407313.1); c.49-702dup (NM_001407314.1); short protein forms A131fs, A432fs, A707fs, A727fs.
Identifiers: ClinVar variation 2674075 (VCV002674075.1), dbSNP rs2506419032, ClinGen allele CA2695197492.